The following is an entry in ClinVar:

ClinVar aggregate classification (germline): Likely pathogenic (1 of 4 stars; one submission).

Conditions:
Leber optic atrophy (LHON). Also called: Leber hereditary optic neuropathy; Leber's disease; Leber's optic atrophy; Optic Atrophy, Hereditary, Leber. Identifiers: Orphanet 104, MedGen C0917796, MONDO:0010788, OMIM 535000, HP:0001112.

Submission:

Department of Human Genetics, Hannover Medical School
Classification: Likely pathogenic for Leber optic atrophy. Last evaluated: 2026-05-27. Review status: criteria provided, single submitter. Criteria: ACMG Guidelines, 2015. Collection method: clinical testing. Allele origin: germline. Affected: yes.
Comment: ACMG/Clingen VCEP: PVS1_Strong, PS2_Moderate, PM2_Supporting

NC_012920.1(MT-CO3):m.9627G>A

Genes: MT-ATP6 (mitochondrially encoded ATP synthase 6; plus strand), MT-ATP8 (mitochondrially encoded ATP synthase 8; plus strand), MT-CO1 (mitochondrially encoded cytochrome c oxidase I; plus strand), MT-CO2 (mitochondrially encoded cytochrome c oxidase II; plus strand), MT-CO3 (mitochondrially encoded cytochrome c oxidase III; plus strand) and 18 more.
Variant type: single nucleotide variant.
Genome position: chrM-9627-G-A.
Identifiers: ClinVar variation 4851466 (VCV004851466.1).